The following is an entry in ClinVar:

NM_052970.5(HSPA12B):c.1380C>A (p.Thr460=)

Gene: HSPA12B (heat shock protein family A (Hsp70) member 12B; plus strand). Cytogenetic location: 20p13.
Variant type: single nucleotide variant.
Coding change: c.1380C>A on transcript NM_052970.5 (MANE Select); coding-DNA position 1380, C replaced by A.
Protein change: p.Thr460=; no amino-acid change (threonine 460 retained).
Molecular consequence: synonymous variant.
Genome position (GRCh38, 1-based): chr20:3,750,882, C>A. VCF-style: chr20-3750882-C-A. GRCh37 (hg19) VCF-style: chr20-3731529-C-A.
Other names: c.1377C>A, p.Thr459= (NM_001197327.2); c.1122C>A, p.Thr374= (NM_001318322.2).
Identifiers: ClinVar variation 2652188 (VCV002652188.24), dbSNP rs148249749, ClinGen allele CA9748020.
Genomic context (GRCh38, chr20:3,750,882, plus strand): 5'-GTCCTCACAGGGGATGCTCCGAATGTCTTGTGAAGCCATGAACGAGCTCTTTCAGCCCAC[C>A]GTCAGCGGGATCATCCAGCACATAGGTGAGCACCTGAGCTTGGTCCCCCACCCGCCCCTA-3'
Protein context (NP_443202.3, residues 450-470): CEAMNELFQP[Thr460=]VSGIIQHIEA

ClinVar aggregate classification (germline): Likely benign (1 of 4 stars; one submission).

Allele frequency attached by ClinVar (database versions not stated): ESP Exome Variant Server 0.00046; TOPMed 0.00060; gnomAD 0.00062.
gnomAD v4.1: 1,096 of 1,613,984 alleles (0.068%); highest among the groups gnomAD compares: Middle Eastern, 0.15%; 2 homozygotes.

Submission:

CeGaT Center for Human Genetics Tuebingen
Classification: Likely benign. Last evaluated: 2023-05-01. Review status: criteria provided, single submitter. Criteria: CeGaT Center For Human Genetics Tuebingen Variant Classification Criteria Version 2. Collection method: clinical testing. Allele origin: germline. Affected: yes. Observed: 1 variant allele.
Comment: HSPA12B: BP4, BP7